The following is an entry in ClinVar:

NM_006618.5(KDM5B):c.1238T>G (p.Leu413Arg)

Gene: KDM5B (lysine demethylase 5B; minus strand). Cytogenetic location: 1q32.1.
Variant type: single nucleotide variant.
Coding change: c.1238T>G on transcript NM_006618.5 (MANE Select); coding-DNA position 1238, T replaced by G.
Protein change: p.Leu413Arg; replaces leucine 413 with arginine.
Molecular consequence: missense variant.
Genome position (GRCh38, 1-based): chr1:202,756,476, A>C on the plus strand (T>G on the coding strand, the complement: KDM5B is on the minus strand). VCF-style: chr1-202756476-A-C. GRCh37 (hg19) VCF-style: chr1-202725604-A-C.
Other names: c.1346T>G, p.Leu449Arg (NM_001314042.2); c.1103T>G, p.Leu368Arg (NM_001347591.2); c.1223T>G, p.Leu408Arg (NM_001399817.1); short protein forms L368R, L408R, L413R, L449R.
Identifiers: ClinVar variation 3375915 (VCV003375915.1).

ClinVar aggregate classification (germline): Uncertain significance (1 of 4 stars; one submission).

Submission:

GeneDx
Classification: Uncertain significance. Last evaluated: 2024-05-09. Review status: criteria provided, single submitter. Criteria: GeneDx Variant Classification Process June 2021. Collection method: clinical testing. Allele origin: germline. Affected: yes.
Comment: Not observed at significant frequency in large population cohorts (gnomAD); In silico analysis supports that this missense variant has a deleterious effect on protein structure/function; Has not been previously published as pathogenic or benign to our knowledge